The following is an entry in ClinVar:

NM_000466.3(PEX1):c.2097dup (p.Ile700fs)

Gene: PEX1 (peroxisomal biogenesis factor 1; minus strand). Cytogenetic location: 7q21.2.
Variant type: Duplication.
Coding change: c.2097dup on transcript NM_000466.3 (MANE Select); coding-DNA position 2097, one base duplicated (T; older notation c.2097dupT).
Protein change: p.Ile700fs; shifts the reading frame from isoleucine 700.
Molecular consequence: frameshift variant.
Genome position (GRCh38, 1-based): chr7:92,503,170, A duplicated on the plus strand (T on the coding strand, the reverse complement: PEX1 is on the minus strand); the first of 3 consecutive A bases (chr7:92,503,170-92,503,172); duplicating any one gives the same sequence. VCF-style (leftmost placement, unchanged base first): chr7-92503169-T-TA. GRCh37 (hg19) VCF-style: chr7-92132483-T-TA.
Other names: p.Ile700Tyrfs*42; c.1926dup, p.Ile643fs (NM_001282677.2); c.1473dup, p.Ile492fs (NM_001282678.2); c.2097dupT (NM_000466.3); short protein forms I643fs, I492fs, I700fs.
Identifiers: ClinVar variation 7519 (VCV000007519.120), dbSNP rs61750415, ClinGen allele CA213121.

ClinVar aggregate classification (germline): Pathogenic. Review status: criteria provided, multiple submitters, no conflicts (2 of 4 stars). 45 submissions from 40 submitters: Pathogenic (33). 12 of the submissions do not count toward it. Last evaluated 2026-08-17.

Conditions:
Fetal anomalies with a likely genetic cause.
PEX1-related disorder. Also called: PEX1-related condition.
Inborn genetic diseases. Identifiers: MedGen C0950123, MeSH D030342.
Heimler syndrome 1 (HMLR1). Also called: PEROXISOME BIOGENESIS DISORDER 1C. Identifiers: Orphanet 3220, MedGen C4551980, OMIM 234580, MONDO:0024544.
Peroxisome biogenesis disorder 1A (Zellweger) (PBD1A). Also called: Zellweger leukodystrophy; Peroxisome biogenesis disorder 1a. Identifiers: MedGen C4721541, MONDO:0008953, OMIM 214100.
Peroxisome biogenesis disorder 1B (PBD1B). Also called: Refsum disease, infantile form; PEROXISOME BIOGENESIS DISORDER (NALD/IRD); ADRENOLEUKODYSTROPHY, AUTOSOMAL NEONATAL; Infantile Refsum disease; Infantile form of phytanic acid storage disease; PEROXISOME BIOGENESIS DISORDER (NEONATAL ADRENOLEUKODYSTROPHY/INFANTILE REFSUM DISEASE). Identifiers: Orphanet 44, MedGen C0282527, MONDO:0011101, OMIM 601539.
Zellweger spectrum disorders (ZS). Also called: Zellweger Spectrum Disorder; Zellweger Spectrum; Zellweger syndrome; Zellweger Spectrum Disorder (ZSD). Identifiers: Orphanet 912, MedGen C0043459, MONDO:0019609.
Retinal dystrophy. Also called: Inherited retinal dystrophy. Identifiers: Orphanet 71862, MedGen C0854723, MeSH D058499, MONDO:0019118, HP:0000556.
Peroxisome biogenesis disorder. Identifiers: Orphanet 79189, MedGen C1832200, MONDO:0019234. Disease mechanism: loss of function.
Optic atrophy. Identifiers: MedGen C0029124, MONDO:0003608, HP:0000648.

Submissions 1 to 10 of 45:

PreventionGenetics, part of Exact Sciences
Classification: Pathogenic for PEX1-related condition. Last evaluated: 2026-08-17. Review status: criteria provided, single submitter. Criteria: ACMG Guidelines, 2015. Collection method: clinical testing. Allele origin: germline.
Comment: The PEX1 c.2097dupT variant is predicted to result in a frameshift and premature protein termination (p.Ile700Tyrfs*42). This variant has been reported in both the homozygous and compound heterozygous states in multiple patients with Zellweger syndrome (see, for example, Maxwell et al. 2002. PubMed ID: 12402331; Berendse et al. 2016. PubMed ID: 26287655; Ghosh et al. 2017. PubMed ID: 28468868). Notably, one patient with this variant in the compound heterozygous state with another pathogenic PEX1 variant showed a milder phenotype with survival into adulthood (Berendse et al. 2016. PubMed ID: 26287655); however, two functional studies have reported that this variant severely affects peroxisomal function (Maxwell et al. 2002. PubMed ID: 12402331; Ratbi et al. 2015. PubMed ID: 26387595). This variant is reported in 0.092% of alleles in individuals of European (non-Finnish) descent in gnomAD. This variant is interpreted as pathogenic.

CeGaT Center for Human Genetics Tuebingen
Classification: Pathogenic. Last evaluated: 2026-06-01. Review status: criteria provided, single submitter. Criteria: CeGaT Center For Human Genetics Tuebingen Variant Classification Criteria Version 2. Collection method: clinical testing. Allele origin: germline. Affected: yes. Observed: 19 variant alleles.
Comment: PEX1: PM3:Very Strong, PVS1, PM2

Genetics Laboratory, Great Ormond Street Hospital NHS Foundation Trust, North Thames Genomic Laboratory Hub
Classification: Pathogenic for Fetal anomalies with a likely genetic cause. Last evaluated: 2026-02-27. Review status: criteria provided, single submitter. Criteria: ACGS Best Practice Guidelines for Variant Classification in Rare Disease 2024 v1.2. Collection method: clinical testing. Allele origin: germline. Affected: yes.
Comment: PS4_moderate, PVS1_very-strong

Dasa
Classification: Pathogenic. Last evaluated: 2026-01-26. Review status: criteria provided, single submitter. Criteria: DASA Assertion Criteria. Collection method: clinical testing. Allele origin: germline.
Comment: NM_000466.3(PEX1):c.2097dup (p.Ile700TyrfsTer42) introduces a premature termination codon predicted to result in loss of normal protein function. Loss-of-function is an established mechanism of disease for this gene. This variant has been recurrently observed in individuals with related phenotype (PMID: 10447258; PMID: 12402331; PMID: 17055079; PMID: 26287655; PMID: 26387595). The variant is present at low frequency in population datasets. Based on the available data, this variant is classified as pathogenic.

Labcorp Genetics (formerly Invitae), Labcorp
Classification: Pathogenic for Zellweger spectrum disorders. Last evaluated: 2026-01-25. Review status: criteria provided, single submitter. Criteria: Invitae Variant Classification Sherloc (09022015). Collection method: clinical testing. Allele origin: germline.
Comment: This sequence change creates a premature translational stop signal (p.Ile700Tyrfs*42) in the PEX1 gene. It is expected to result in an absent or disrupted protein product. Loss-of-function variants in PEX1 are known to be pathogenic (PMID: 21031596, 26387595, 31831025). This variant is present in population databases (rs61750415, gnomAD 0.1%), and has an allele count higher than expected for a pathogenic variant. This premature translational stop signal has been observed in individuals with peroxisomal biogenesis disorder (PMID: 10447258, 12402331, 26287655, 26387595, 26643206, 28468868). ClinVar contains an entry for this variant (Variation ID: 7519). For these reasons, this variant has been classified as Pathogenic.

Natera, Inc.
Classification: Pathogenic for Zellweger syndrome. Last evaluated: 2025-11-04. Review status: criteria provided, single submitter. Criteria: Natera Variant Classification Schema (03/2026). Collection method: clinical testing. Allele origin: germline.
Comment: The c.2097dupT variant in PEX1 is a frameshift variant predicted to shift the reading frame beginning at codon 700 and leads to a stop codon 42 codons downstream. This variant is expected to result in nonsense mediated decay, truncation, or a dysfunctional protein product. This variant is rare in the general population with a frequency below the threshold expected for the associated phenotype(s). This variant has been observed in one or more individuals affected with the associated recessive disease, as either homozygous or compound heterozygous with a second variant (PMID: 32627857). Given the available evidence, this variant is classified as Pathogenic.

Revvity Omics, Revvity
Classification: Pathogenic. Last evaluated: 2025-06-10. Review status: criteria provided, single submitter. Criteria: ACMG Guidelines, 2015. Collection method: clinical testing. Allele origin: germline.

Variantyx, Inc.
Classification: Pathogenic for Peroxisome biogenesis disorder 1A (Zellweger). Last evaluated: 2025-03-19. Review status: criteria provided, single submitter. Criteria: Variantyx Assertion Criteria 2022. Collection method: clinical testing. Allele origin: germline.
Comment: This is a frameshift variant in the PEX1 gene (OMIM: 602136). Pathogenic variants in this gene have been associated with autosomal recessive peroxisome biogenesis disorder 1A (Zellweger). This variant introduces a premature termination codon in exon 13 out of 24. It is expected to result in loss of function, which is a known disease mechanism for PEX1 in this disorder (PMID: 10447258, 12402331) (PVS1). It has also been identified in the homozygous or compound heterozygous state in at least 14 individuals from the published literature (PMID: 10447258, 12402331), (PM3_Very_Strong). This variant has a 0.1010% maximum allele frequency in non-founder control populations. Based on the current evidence, this variant is classified as pathogenic for autosomal recessive peroxisome biogenesis disorder 1A (Zellweger).

ARUP Laboratories, Molecular Genetics and Genomics, ARUP Laboratories
Classification: Pathogenic. Last evaluated: 2025-02-04. Review status: criteria provided, single submitter. Criteria: ARUP Molecular Germline Variant Investigation Process 2024. Collection method: clinical testing. Allele origin: germline.
Comment: The PEX1 c.2097dup p.Ile700Tyrfs42 variant (rs61750415, ClinVar Variation ID 7519) is reported homozygous or compound heterozygous in the literature in numerous individuals affected with peroxisome biogenesis disorder (Berendse 2019, Collins 1999, Maxwell 1999, Poll-The 2004, Ratbi 2015). This variant is found in the general population with an overall allele frequency of 0.048% (137/ 282532 alleles) in the Genome Aggregation Database (v2.1.1). Functional analyses of the variant protein shows loss of protein function (Collins 1999). This variant causes a frameshift by deleting a single nucleotide, so it is predicted to result in a truncated protein or mRNA subject to nonsense-mediated decay. Based on available information, this variant is considered to be pathogenic. References: Berendse et al. Hepatic symptoms and histology in 13 patients with a Zellweger spectrum disorder. J Inherit Metab Dis. 2019 Sep;42(5):955-965. PMID: 31150129. Collins et al. Identification of a common PEX1 mutation in Zellweger syndrome. Hum Mutat. 1999;14(1):45-53. PMID: 10447258. Maxwell et al. A common PEX1 frameshift mutation in patients with disorders of peroxisome biogenesis correlates with the severe Zellweger syndrome phenotype. Hum Genet. 1999 Jul-Aug;105(1-2):38-44. PMID: 10480353. Poll-The et al. Peroxisome biogenesis disorders with prolonged survival: phenotypic expression in a cohort of 31 patients. Am J Med Genet A. 2004 May 1;126A(4):333-8. PMID: 15098231. Ratbi et al. Heimler Syndrome Is Caused by Hypomorphic Mutations in the Peroxisome-Biogenesis Genes PEX1 and PEX6. Am J Hum Genet. 2015 Oct 1;97(4):535-45. PMID: 26387595

Blueprint Genetics
Classification: Pathogenic for PEX1-related disorders. Last evaluated: 2024-11-27. Review status: criteria provided, single submitter. Criteria: ACMG Guidelines, 2015. Collection method: clinical testing. Allele origin: germline. Affected: yes. Observed: 5 variant alleles.